The following is an entry in ClinVar:

NM_001943.5(DSG2):c.1562A>T (p.Asp521Val)

Gene: DSG2 (desmoglein 2; plus strand). Cytogenetic location: 18q12.1.
Variant type: single nucleotide variant.
Coding change: c.1562A>T on transcript NM_001943.5 (MANE Select); coding-DNA position 1562, A replaced by T.
Protein change: p.Asp521Val; replaces aspartic acid 521 with valine.
Molecular consequence: missense variant.
Genome position (GRCh38, 1-based): chr18:31,536,340, A>T. VCF-style: chr18-31536340-A-T. GRCh37 (hg19) VCF-style: chr18-29116303-A-T.
Other names: short protein forms D521V.
Identifiers: ClinVar variation 2775225 (VCV002775225.2), dbSNP rs730880077, ClinGen allele CA402141810.

ClinVar aggregate classification (germline): Uncertain significance (1 of 4 stars; one submission).

Conditions:
Cardiomyopathy (CMYO). Also called: Cardiomyopathies. Identifiers: Orphanet 167848, MedGen C0878544, MONDO:0004994, HP:0001638. Inheritance: Various modes of inheritance.

gnomAD v4.1: 1 of 1,614,230 alleles (0.000062%); highest among the groups gnomAD compares: Non-Finnish European, 0.000085%; no homozygotes.

Submission:

Color Diagnostics, LLC DBA Color Health
Classification: Uncertain significance for Cardiomyopathy. Last evaluated: 2023-04-11. Review status: criteria provided, single submitter. Criteria: ACMG Guidelines, 2015. Collection method: clinical testing. Allele origin: germline.
Comment: This missense variant replaces aspartic acid with valine at codon 521 of the DSG2 protein. Computational prediction suggests that this variant may have deleterious impact on protein structure and function (internally defined REVEL score threshold >= 0.7, PMID: 27666373). To our knowledge, functional studies have not been reported for this variant. This variant has not been reported in individuals affected with cardiovascular disorders in the literature. This variant has not been identified in the general population by the Genome Aggregation Database (gnomAD). The available evidence is insufficient to determine the role of this variant in disease conclusively. Therefore, this variant is classified as a Variant of Uncertain Significance.